The following is an entry in ClinVar:

NM_022552.5(DNMT3A):c.128C>T (p.Thr43Ile)

Gene: DNMT3A (DNA methyltransferase 3 alpha; minus strand). Cytogenetic location: 2p23.3.
Variant type: single nucleotide variant.
Coding change: c.128C>T on transcript NM_022552.5 (MANE Select); coding-DNA position 128, C replaced by T.
Protein change: p.Thr43Ile; replaces threonine 43 with isoleucine.
Molecular consequence: missense variant. On other transcripts: non-coding transcript variant (1).
Genome position (GRCh38, 1-based): chr2:25,300,188, G>A on the plus strand (C>T on the coding strand, the complement: DNMT3A is on the minus strand). VCF-style: chr2-25300188-G-A. GRCh37 (hg19) VCF-style: chr2-25523057-G-A.
Other names: c.128C>T, p.Thr43Ile (NM_001320892.2, NM_175629.2, NM_175630.1); short protein forms T43I.
Identifiers: ClinVar variation 2166344 (VCV002166344.4), dbSNP rs1417961680, ClinGen allele CA346251671.

ClinVar aggregate classification (germline): Uncertain significance (1 of 4 stars; one submission).

Conditions:
Tatton-Brown-Rahman overgrowth syndrome. Also called: Tatton-Brown-Rahman syndrome; Tall stature-intellectual disability-facial dysmorphism syndrome. Identifiers: Orphanet 404443, MedGen C4014545, MONDO:0014382, OMIM 615879.

Allele frequency attached by ClinVar (database versions not stated): gnomAD 0.00002; TOPMed 0.00002.
gnomAD v4.1: 7 of 1,612,700 alleles (0.00043%); highest among the groups gnomAD compares: African/African-American, 0.004%; no homozygotes.

Submission:

Labcorp Genetics (formerly Invitae), Labcorp
Classification: Uncertain significance for Tatton-Brown-Rahman overgrowth syndrome. Last evaluated: 2023-10-17. Review status: criteria provided, single submitter. Criteria: Invitae Variant Classification Sherloc (09022015). Collection method: clinical testing. Allele origin: germline.
Comment: This sequence change replaces threonine, which is neutral and polar, with isoleucine, which is neutral and non-polar, at codon 43 of the DNMT3A protein (p.Thr43Ile). This variant is present in population databases (no rsID available, gnomAD 0.02%). This variant has not been reported in the literature in individuals affected with DNMT3A-related conditions. ClinVar contains an entry for this variant (Variation ID: 2166344). An algorithm developed to predict the effect of missense changes on protein structure and function (PolyPhen-2) suggests that this variant is likely to be disruptive. In summary, the available evidence is currently insufficient to determine the role of this variant in disease. Therefore, it has been classified as a Variant of Uncertain Significance.